The following is an entry in ClinVar:

NM_001303.4(COX10):c.688C>T (p.Gln230Ter)

Gene: COX10 (cytochrome c oxidase assembly factor heme A:farnesyltransferase COX10; plus strand). Cytogenetic location: 17p12.
Variant type: single nucleotide variant.
Coding change: c.688C>T on transcript NM_001303.4 (MANE Select); coding-DNA position 688, C replaced by T.
Protein change: p.Gln230Ter; replaces glutamine 230 with a stop codon.
Molecular consequence: nonsense.
Genome position (GRCh38, 1-based): chr17:14,159,940, C>T. VCF-style: chr17-14159940-C-T. GRCh37 (hg19) VCF-style: chr17-14063257-C-T.
Other names: short protein forms Q230*.
Identifiers: ClinVar variation 1162812 (VCV001162812.6), dbSNP rs1425392070, ClinGen allele CA398250434.

ClinVar aggregate classification (germline): Likely pathogenic. Review status: criteria provided, multiple submitters, no conflicts (2 of 4 stars). 2 submissions from 2 submitters: Likely pathogenic (2). Last evaluated 2024-06-19.

Conditions:
Mitochondrial complex IV deficiency, nuclear type 3. Also called: Mitochondrial complex 4 deficiency, nuclear type 3. Identifiers: MedGen C5436682, MONDO:0033635, OMIM 619046.

Allele frequency attached by ClinVar (database versions not stated): gnomAD exomes below 0.00001; TOPMed below 0.00001; gnomAD 0.00001.

Submissions (2):

Fulgent Genetics
Classification: Likely pathogenic for Mitochondrial complex IV deficiency, nuclear type 3. Last evaluated: 2024-06-19. Review status: criteria provided, single submitter. Criteria: ACMG Guidelines, 2015. Collection method: clinical testing. Allele origin: germline.

Mayo Clinic Laboratories, Mayo Clinic
Classification: Likely pathogenic. Last evaluated: 2020-01-17. Review status: criteria provided, single submitter. Criteria: ACMG Guidelines, 2015. Collection method: clinical testing. Allele origin: germline. Observed: 1 variant allele.
Comment: PVS1, PM2